The following is an entry in ClinVar:

ClinVar aggregate classification (germline): Uncertain significance (1 of 4 stars; one submission).

Conditions:
Frontotemporal dementia (FTD1). Also called: Frontotemporal Dementia with Parkinsonism-17 (FTDP-17); Frontotemporal lobe dementia (FLDEM); FRONTOTEMPORAL DEMENTIA WITH PARKINSONISM; FRONTOTEMPORAL LOBE DEMENTIA; Dementia, frontotemporal, with or without parkinsonism; WILHELMSEN-LYNCH DISEASE. Identifiers: Orphanet 282, MedGen C0338451, MONDO:0017276, OMIM 600274, HP:0002145.

Submission:

Labcorp Genetics (formerly Invitae), Labcorp
Classification: Uncertain significance for Frontotemporal dementia. Last evaluated: 2018-12-05. Review status: criteria provided, single submitter. Criteria: Invitae Variant Classification Sherloc (09022015). Collection method: clinical testing. Allele origin: germline.
Comment: This variant has not been reported in the literature in individuals with MAPT-related conditions. In summary, the available evidence is currently insufficient to determine the role of this variant in disease. Therefore, it has been classified as a Variant of Uncertain Significance. Algorithms developed to predict the effect of missense changes on protein structure and function are either unavailable or do not agree on the potential impact of this missense change (SIFT: "Deleterious"; PolyPhen-2: "Probably Damaging"; Align-GVGD: "Class C0"). This variant is not present in population databases (ExAC no frequency). This sequence change replaces proline with serine at codon 219 of the MAPT protein (p.Pro219Ser). The proline residue is highly conserved and there is a moderate physicochemical difference between proline and serine.

NM_001377265.1(MAPT):c.1831C>T (p.Pro611Ser)

Gene: MAPT (microtubule associated protein tau). Cytogenetic location: 17q21.31.
Variant type: single nucleotide variant.
Coding change: c.1831C>T on transcript NM_001377265.1 (MANE Select); coding-DNA position 1831, C replaced by T.
Protein change: p.Pro611Ser; replaces proline 611 with serine.
Molecular consequence: missense variant.
Genome position (GRCh38, 1-based): chr17:45,996,497, C>T. VCF-style: chr17-45996497-C-T. GRCh37 (hg19) VCF-style: chr17-44073863-C-T.
Other names: c.1660C>T, p.Pro554Ser (NM_001123066.4); c.568C>T, p.Pro190Ser (NM_001123067.4, NM_001203251.2, NM_001377267.1); c.655C>T, p.Pro219Ser (NM_001203252.2, NM_005910.6); c.1633C>T, p.Pro545Ser (NM_001377266.1); c.481C>T, p.Pro161Ser (NM_001377268.1, NM_016834.5, NM_016841.5); c.1606C>T, p.Pro536Ser (NM_016835.5); short protein forms P161S, P190S, P554S, P219S, P536S, P545S, P611S.
Identifiers: ClinVar variation 640803 (VCV000640803.9), dbSNP rs1598326219, ClinGen allele CA399978125.